The following is an entry in ClinVar:

ClinVar aggregate classification (germline): Uncertain significance (1 of 4 stars; one submission).

Conditions:
Emery-Dreifuss muscular dystrophy 5, autosomal dominant (EDMD5). Also called: EMERY-DREIFUSS MUSCULAR DYSTROPHY 5. Identifiers: Orphanet 261, MedGen C2751805, MONDO:0013072, OMIM 612999.

Submission:

Labcorp Genetics (formerly Invitae), Labcorp
Classification: Uncertain significance for Emery-Dreifuss muscular dystrophy 5, autosomal dominant. Last evaluated: 2022-07-25. Review status: criteria provided, single submitter. Criteria: Invitae Variant Classification Sherloc (09022015). Collection method: clinical testing. Allele origin: germline.
Comment: In summary, the available evidence is currently insufficient to determine the role of this variant in disease. Therefore, it has been classified as a Variant of Uncertain Significance. Algorithms developed to predict the effect of missense changes on protein structure and function are either unavailable or do not agree on the potential impact of this missense change (SIFT: "Tolerated"; PolyPhen-2: "Probably Damaging"; Align-GVGD: "Class C0"). This variant has not been reported in the literature in individuals affected with SYNE2-related conditions. This variant is not present in population databases (gnomAD no frequency). This sequence change replaces serine, which is neutral and polar, with threonine, which is neutral and polar, at codon 5061 of the SYNE2 protein (p.Ser5061Thr).

NM_182914.3(SYNE2):c.15181T>A (p.Ser5061Thr)

Gene: SYNE2 (spectrin repeat containing nuclear envelope protein 2; plus strand). Cytogenetic location: 14q23.2.
Variant type: single nucleotide variant.
Coding change: c.15181T>A on transcript NM_182914.3 (MANE Select); coding-DNA position 15181, T replaced by A.
Protein change: p.Ser5061Thr; replaces serine 5061 with threonine.
Molecular consequence: missense variant.
Genome position (GRCh38, 1-based): chr14:64,141,963, T>A. VCF-style: chr14-64141963-T-A. GRCh37 (hg19) VCF-style: chr14-64608681-T-A.
Other names: c.15181T>A, p.Ser5061Thr (NM_015180.6); short protein forms S5061T.
Identifiers: ClinVar variation 2059959 (VCV002059959.4), dbSNP rs2549375441, ClinGen allele CA389941255.